The following is an entry in ClinVar:

ClinVar aggregate classification (germline): Uncertain significance (1 of 4 stars; one submission).

Conditions:
Hereditary cancer-predisposing syndrome. Also called: Neoplastic Syndromes, Hereditary; Tumor predisposition; Hereditary Cancer Syndrome; Hereditary neoplastic syndrome. Identifiers: Orphanet 140162, MedGen C0027672, MeSH D009386, MONDO:0015356.

Submission:

Ambry Genetics
Classification: Uncertain significance for Hereditary cancer-predisposing syndrome. Last evaluated: 2026-02-20. Review status: criteria provided, single submitter. Criteria: Ambry Variant Classification Scheme 2023. Collection method: clinical testing. Allele origin: germline.
Comment: The p.Q2704K variant (also known as c.8110C>A), located in coding exon 15 of the APC gene, results from a C to A substitution at nucleotide position 8110. The glutamine at codon 2704 is replaced by lysine, an amino acid with similar properties. This amino acid position is conserved. In addition, in silico predictors for this gene do not accurately predict pathogenicity. Based on the available evidence, the clinical significance of this variant remains unclear.

NM_000038.6(APC):c.8110C>A (p.Gln2704Lys)

Gene: APC (APC regulator of Wnt signaling pathway; plus strand). Cytogenetic location: 5q22.2.
Variant type: single nucleotide variant.
Coding change: c.8110C>A on transcript NM_000038.6 (MANE Select); coding-DNA position 8110, C replaced by A.
Protein change: p.Gln2704Lys; replaces glutamine 2704 with lysine.
Molecular consequence: missense variant. On other transcripts: non-coding transcript variant (2).
Genome position (GRCh38, 1-based): chr5:112,843,704, C>A. VCF-style: chr5-112843704-C-A. GRCh37 (hg19) VCF-style: chr5-112179401-C-A.
Other names: c.8110C>A, p.Gln2704Lys (NM_001127510.3, NM_001407450.1, NM_001354895.2); c.8056C>A, p.Gln2686Lys (NM_001127511.3); c.7630C>A, p.Gln2544Lys (NM_001354905.2); c.7261C>A, p.Gln2421Lys (NM_001354906.2, NM_001407470.1); c.8194C>A, p.Gln2732Lys (NM_001407446.1); c.8164C>A, p.Gln2722Lys (NM_001407447.1, NM_001407448.1, NM_001407449.1 and 1 more transcripts); c.8089C>A, p.Gln2697Lys (NM_001407451.1); c.8080C>A, p.Gln2694Lys (NM_001407452.1); and 11 more; short protein forms Q2320K, Q2421K, Q2575K, Q2578K, Q2613K, Q2663K, Q2686K, Q2697K.
Identifiers: ClinVar variation 4825081 (VCV004825081.1).
Genomic context (GRCh38, chr5:112,843,704, plus strand): 5'-GACAGTGTTTCAGAAAAGGCAAATCCAAACATTAAAGATTCAAAAGATAATCAGGCAAAA[C>A]AAAATGTGGGTAATGGCAGTGTTCCCATGCGTACCGTGGGTTTGGAAAATCGCCTGAACT-3'
Protein context (NP_000029.2, residues 2694-2714): IKDSKDNQAK[Gln2704Lys]NVGNGSVPMR